The following is an entry in ClinVar:

ClinVar aggregate classification (germline): Conflicting classifications of pathogenicity. Review status: criteria provided, conflicting classifications (1 of 4 stars). 11 submissions from 11 submitters: Pathogenic (7); Likely pathogenic (3); Uncertain significance (1). Last evaluated 2025-07-29.

Conditions:
GBA-related disorder. Also called: GBA-related disorders.
Gaucher disease type I (GD1). Also called: Type 1 Gaucher Disease; GD 1; GLUCOCEREBROSIDASE DEFICIENCY; ACID BETA-GLUCOSIDASE DEFICIENCY; GAUCHER DISEASE, NONCEREBRAL JUVENILE; GBA DEFICIENCY. Identifiers: Orphanet 355, Orphanet 77259, MedGen C1961835, MONDO:0009265, OMIM 230800.
Gaucher disease type II (GD2). Also called: Type 2 Gaucher disease (Acute; Infantile); GAUCHER DISEASE, ACUTE NEURONOPATHIC TYPE; GD II; Acute neuronopathic Gaucher's disease. Identifiers: Orphanet 77260, MedGen C0268250, MONDO:0009266, OMIM 230900.
Gaucher disease type III. Also called: Type 3 Gaucher disease (Subacute; Juvenile); Gaucher Disease, Type 3; GAUCHER DISEASE, CHRONIC NEURONOPATHIC TYPE; GAUCHER DISEASE, JUVENILE AND ADULT, CEREBRAL; GAUCHER DISEASE, SUBACUTE NEURONOPATHIC TYPE; GD III. Identifiers: Orphanet 355, Orphanet 77261, MedGen C0268251, MONDO:0009267, OMIM 231000.
Gaucher disease. Also called: Acute cerebral Gaucher disease; Cerebroside lipidosis syndrome; Gaucher splenomegaly; Sphingolipidosis 1; Glucocerebrosidosis; Glucosylceramidase deficiency. Identifiers: Orphanet 355, MedGen C0017205, MONDO:0018150.

Allele frequency attached by ClinVar (database versions not stated): TOPMed 0.00001; ExAC 0.00003; gnomAD 0.00003; gnomAD exomes 0.00001.
gnomAD v4.1: 20 of 1,613,912 alleles (0.0012%); highest among the groups gnomAD compares: Admixed American, 0.0033%; no homozygotes.

Submissions (11):

Natera, Inc.
Classification: Pathogenic for Gaucher disease. Last evaluated: 2025-07-29. Review status: criteria provided, single submitter. Criteria: Natera Variant Classification Schema (03/2026). Collection method: clinical testing. Allele origin: germline.
Comment: The c.667T>C variant in GBA1 is a missense variant predicted to cause substitution of tryptophan to arginine at amino acid 223. This variant is rare in the general population with a frequency below the threshold expected for the associated phenotype(s). This variant has been observed in one or more individuals affected with the associated recessive disease, as either homozygous or compound heterozygous with a second variant (PMID: 34649574, 34280392). Computational prediction algorithms indicate this variant is likely to affect gene or protein function. Given the available evidence, this variant is classified as Pathogenic.

Laboratory of Genetics, Children's Clinical University Hospital Latvia
Classification: Likely pathogenic. Last evaluated: 2025-02-16. Review status: criteria provided, single submitter. Criteria: ACMG Guidelines, 2015. Collection method: clinical testing. Allele origin: germline. Affected: yes.

GeneDx
Classification: Pathogenic. Last evaluated: 2023-12-07. Review status: criteria provided, single submitter. Criteria: GeneDx Variant Classification Process June 2021. Collection method: clinical testing. Allele origin: germline. Affected: yes.
Comment: Functional studies found that W223R is associated with significantly reduced enzyme activity (PMID: 10757640); In silico analysis supports that this missense variant has a deleterious effect on protein structure/function; This variant is associated with the following publications: (PMID: 9516376, 25435509, 8889578, 11112377, 18078074, 10679038, 27864021, 16396828, 29198828, 26220978, 16418594, 18070135, 24904648, 30606667, 32658388, 34586679, 17059888, 33301762, 10757640)

Blueprint Genetics
Classification: Pathogenic for GBA-related disorders. Last evaluated: 2023-07-27. Review status: criteria provided, single submitter. Criteria: ACMG Guidelines, 2015. Collection method: clinical testing. Allele origin: germline. Affected: yes. Observed: 5 variant alleles.

Revvity Omics, Revvity
Classification: Uncertain significance. Last evaluated: 2022-06-24. Review status: criteria provided, single submitter. Criteria: ACMG Guidelines, 2015. Collection method: clinical testing. Allele origin: germline.

Ambry Genetics
Classification: Pathogenic. Last evaluated: 2021-09-17. Review status: criteria provided, single submitter. Criteria: Ambry Variant Classification Scheme 2023. Collection method: clinical testing. Allele origin: germline.
Comment: The c.667T>C (p.W223R) alteration is located in exon 7 (coding exon 6) of the GBA gene. This alteration results from a T to C substitution at nucleotide position 667, causing the tryptophan (W) at amino acid position 223 to be replaced by an arginine (R). Based on data from gnomAD, the C allele has an overall frequency of <0.01% (2/251106) total alleles studied. The highest observed frequency was <0.01% (2/113588) of European (non-Finnish) alleles. This alteration, also referred to as p.W184R in the literature, has been reported in the compound heterozygous state with a second mutation in multiple patients with Gaucher disease (Amaral, 2000; Choy, 2000; Rozenberg, 2006; Panicker, 2014; Dimitriou, 2020). This amino acid position is highly conserved in available vertebrate species. Expression studies in Sf9 cells showed very low activity and an essentially inactive protein (Amaral, 2000). Human induced pluripotent stem cells from fibroblasts of an affected patient with this alteration and a second alteration showed low levels of beta-glucocerebrosidase activity and widespread lysosomal depletion and dysfunction (Panicker, 2014; Awad, 2015). This alteration is predicted to be deleterious by in silico analysis. Based on the available evidence, this alteration is classified as pathogenic.

Broad Center for Mendelian Genomics, Broad Institute of MIT and Harvard
Classification: Pathogenic for Gaucher disease. Last evaluated: 2020-01-13. Review status: criteria provided, single submitter. Criteria: ACMG Guidelines, 2015. Collection method: curation. Allele origin: germline. Inheritance: Autosomal recessive inheritance.
Comment: The p.Trp223Arg variant in GBA has been reported in at least 8 individuals with Gaucher disease (PMID: 17059888, 24801745, 27136700, 10679038, 27864021) and has been Identified in 0.002% (2/111560) of European (non-Finnish) chromosomes by the Genome Aggregation Database (gnomAD; dbSNP rs61748906). Although this variant has been seen in the general population, its frequency is low enough to be consistent with a recessive carrier frequency. This variant has also been reported in ClinVar (VariationID: 93457) as benign by Prevention Genetics, likely pathogenic by Praxis fuer Humangenetik Tuebingen, and pathogenic by Integrated Genetics and EGL Genetic Diagnostics. In vitro functional studies demonstrating very low glucocerebrosidase activity in mutant hiPSC macrophages provide some evidence that the p.Trp223Arg variant may impact protein function (PMID: 24801745). However, these types of assays may not accurately represent biological function. Computational prediction tools and conservation analyses suggest that this variant may impact the protein, though this information is not predictive enough to determine pathogenicity. The presence of this variant in combination with reported pathogenic variants and in 8 individuals with Gaucher disease increases the likelihood that the p.Trp223Arg variant is pathogenic (VariationID: 4288, 4290, 4293; PMID: 17059888, 24801745, 27136700, 10679038, 27864021). In summary, this variant meets criteria to be classified as pathogenic for Gaucher disease in an autosomal recessive manner based on the presence of the variant in combination with other pathogenic variants in affected individuals, functional studies, and the low frequency of the variant in the general population. ACMG/AMP Criteria applied: PM3_very-strong, PM2, PS3_moderate, PP3 (Richards 2015).

PreventionGenetics, part of Exact Sciences
Classification: Likely pathogenic for Gaucher disease type I; Gaucher disease type II; Gaucher disease type III. Last evaluated: 2019-06-06. Review status: criteria provided, single submitter. Criteria: ACMG Guidelines, 2015. Collection method: clinical testing. Allele origin: germline. Inheritance: Autosomal recessive inheritance.

Women's Health and Genetics/Laboratory Corporation of America, LabCorp
Classification: Pathogenic for Gaucher disease. Last evaluated: 2017-06-30. Review status: criteria provided, single submitter. Criteria: LabCorp Variant Classification Summary - May 2015. Collection method: clinical testing. Allele origin: germline.
Comment: Variant summary: The GBA c.667T>C (p.Trp223Arg) variant causes a missense change involving the alteration of a non-conserved nucleotide and it is located in the Glycosyl hydrolase family 30, TIM-barrel domain (IPR033453) (InterPro). 5/5 in silico tools predict a damaging outcome for this variant. This was confirmed by functional studies showing abrogated Beta-glucosidase catalytic activity (0.0004 total units of specific activity per cross-reacting immunologic material (CRIM SA) (vs. 1 in control) (Amaral_2000, Awad_2015). This variant was found in 3/112128 control chromosomes at a frequency of 0.0000268, which does not exceed the estimated maximal expected allele frequency of a pathogenic GBA variant (0.005). This variant was reported in multiple patients with Gaucher disease (Choy_1999, Rozenberg_2006) in which pseudogene interference was ruled out. In addition, multiple clinical diagnostic laboratories/reputable databases classified this variant as pathogenic. Taken together, this variant is classified as pathogenic.

CeGaT Center for Human Genetics Tuebingen
Classification: Likely pathogenic. Last evaluated: 2017-04-01. Review status: criteria provided, single submitter. Criteria: CeGaT Center For Human Genetics Tuebingen Variant Classification Criteria Version 2. Collection method: clinical testing. Allele origin: germline. Affected: yes. Observed: 1 variant allele.

Eurofins Ntd Llc (ga)
Classification: Pathogenic. Last evaluated: 2012-12-19. Review status: criteria provided, single submitter. Criteria: EGL Classification Definitions. Collection method: clinical testing. Allele origin: germline. Observed: 1 variant allele, 1 heterozygote.

Literature cited by the submitters: PubMed 34649574 (cited by Natera, Inc.); PubMed 34280392 (cited by Natera, Inc.); PubMed 10679038 (cited by 3 submitters); PubMed 10757640 (cited by Ambry Genetics and Women's Health and Genetics/Laboratory Corporation of America, LabCorp); PubMed 17059888 (cited by 3 submitters); PubMed 24801745 (cited by Ambry Genetics and Broad Center for Mendelian Genomics, Broad Institute of MIT and Harvard); PubMed 26220978 (cited by Ambry Genetics and Women's Health and Genetics/Laboratory Corporation of America, LabCorp); PubMed 32547927 (cited by Ambry Genetics); PubMed 27136700 (cited by Broad Center for Mendelian Genomics, Broad Institute of MIT and Harvard); PubMed 27864021 (cited by Broad Center for Mendelian Genomics, Broad Institute of MIT and Harvard).

NM_000157.4(GBA1):c.667T>C (p.Trp223Arg)

Genes: GBA1 (glucosylceramidase beta 1; minus strand), LOC106627981 (GBA recombination region; plus strand). Cytogenetic location: 1q22.
Variant type: single nucleotide variant.
Coding change: c.667T>C on transcript NM_000157.4 (MANE Select); coding-DNA position 667, T replaced by C.
Protein change: p.Trp223Arg; replaces tryptophan 223 with arginine.
Molecular consequence: missense variant.
Genome position (GRCh38, 1-based): chr1:155,238,228, A>G on the plus strand (T>C on the coding strand, the complement: GBA1 is on the minus strand). VCF-style: chr1-155238228-A-G. GRCh37 (hg19) VCF-style: chr1-155208019-A-G.
Other names: c.667T>C, p.Trp223Arg (NM_001005741.3, NM_001005742.3); c.406T>C, p.Trp136Arg (NM_001171811.2); c.520T>C, p.Trp174Arg (NM_001171812.2); c.667T>C (NM_001005742.2, NM_000157.3); short protein forms W223R, W136R, W174R.
Identifiers: ClinVar variation 93457 (VCV000093457.66), dbSNP rs61748906, ClinGen allele CA221407.